The following is an entry in ClinVar:

NM_020884.7(MYH7B):c.198+6G>A

Gene: MYH7B (myosin heavy chain 7B; plus strand). Cytogenetic location: 20q11.22.
Variant type: single nucleotide variant.
Coding change: c.198+6G>A on transcript NM_020884.7 (MANE Select); 6 bases into the intron after coding-DNA position 198, G replaced by A.
Molecular consequence: intron variant.
Genome position (GRCh38, 1-based): chr20:34,979,502, G>A. VCF-style: chr20-34979502-G-A. GRCh37 (hg19) VCF-style: chr20-33567305-G-A.
Identifiers: ClinVar variation 3701253 (VCV003701253.2).

ClinVar aggregate classification (germline): Uncertain significance (1 of 4 stars; one submission).

gnomAD v4.1: 4 of 1,609,808 alleles (0.00025%); highest among the groups gnomAD compares: African/African-American, 0.0013%; no homozygotes.

Submission:

Labcorp Genetics (formerly Invitae), Labcorp
Classification: Uncertain significance. Last evaluated: 2024-06-21. Review status: criteria provided, single submitter. Criteria: Invitae Variant Classification Sherloc (09022015). Collection method: clinical testing. Allele origin: germline.
Comment: This sequence change falls in intron 6 of the MYH7B gene. It does not directly change the encoded amino acid sequence of the MYH7B protein. It affects a nucleotide within the consensus splice site. The frequency data for this variant in the population databases is considered unreliable, as metrics indicate poor data quality at this position in the gnomAD database. This variant has not been reported in the literature in individuals affected with MYH7B-related conditions. Variants that disrupt the consensus splice site are a relatively common cause of aberrant splicing (PMID: 17576681, 9536098). Algorithms developed to predict the effect of sequence changes on RNA splicing suggest that this variant is not likely to affect RNA splicing. In summary, the available evidence is currently insufficient to determine the role of this variant in disease. Therefore, it has been classified as a Variant of Uncertain Significance.

Literature cited by the submitters: PubMed 17576681; PubMed 9536098.